The following is an entry in ClinVar:

NM_032043.3(BRIP1):c.1433A>T (p.His478Leu)

Gene: BRIP1 (BRCA1 interacting DNA helicase 1; minus strand). Cytogenetic location: 17q23.2.
Variant type: single nucleotide variant.
Coding change: c.1433A>T on transcript NM_032043.3 (MANE Select); coding-DNA position 1433, A replaced by T.
Protein change: p.His478Leu; replaces histidine 478 with leucine.
Molecular consequence: missense variant.
Genome position (GRCh38, 1-based): chr17:61,793,637, T>A on the plus strand (A>T on the coding strand, the complement: BRIP1 is on the minus strand). VCF-style: chr17-61793637-T-A. GRCh37 (hg19) VCF-style: chr17-59870998-T-A.
Other names: short protein forms H478L.
Identifiers: ClinVar variation 925663 (VCV000925663.10), dbSNP rs45501097, ClinGen allele CA400482114.

ClinVar aggregate classification (germline): Uncertain significance. Review status: criteria provided, multiple submitters, no conflicts (2 of 4 stars). 4 submissions from 4 submitters: Uncertain significance (4). Last evaluated 2025-03-31.

Conditions:
Familial cancer of breast. Also called: hereditary breast carcinoma; BREAST CANCER, FAMILIAL; Hereditary breast cancer. Identifiers: Orphanet 227535, MedGen C0346153, MONDO:0016419, OMIM 114480. Disease mechanism: loss of function.
Fanconi anemia complementation group J. Also called: BRIP1-Related Fanconi Anemia. Identifiers: Orphanet 84, MedGen C1836860, MONDO:0012187, OMIM 609054.
Hereditary cancer-predisposing syndrome. Also called: Hereditary Cancer Syndrome; Hereditary neoplastic syndrome; Neoplastic Syndromes, Hereditary; Tumor predisposition. Identifiers: Orphanet 140162, MedGen C0027672, MeSH D009386, MONDO:0015356.

Submissions (4):

Color Diagnostics, LLC DBA Color Health
Classification: Uncertain significance for Hereditary cancer-predisposing syndrome. Last evaluated: 2025-03-31. Review status: criteria provided, single submitter. Criteria: ACMG Guidelines, 2015. Collection method: clinical testing. Allele origin: germline.
Comment: This missense variant replaces histidine with leucine at codon 478 of the BRIP1 protein. Computational prediction suggests that this variant may not impact protein structure and function. To our knowledge, functional studies have not been reported for this variant. This variant has not been reported in individuals affected with BRIP1-related disorders in the literature. This variant has not been identified in the general population by the Genome Aggregation Database (gnomAD). The available evidence is insufficient to determine the role of this variant in disease conclusively. Therefore, this variant is classified as a Variant of Uncertain Significance.

Ambry Genetics
Classification: Uncertain significance for Hereditary cancer-predisposing syndrome. Last evaluated: 2024-06-21. Review status: criteria provided, single submitter. Criteria: Ambry Variant Classification Scheme 2023. Collection method: clinical testing. Allele origin: germline.
Comment: The p.H478L variant (also known as c.1433A>T), located in coding exon 9 of the BRIP1 gene, results from an A to T substitution at nucleotide position 1433. The histidine at codon 478 is replaced by leucine, an amino acid with similar properties. This amino acid position is not well conserved in available vertebrate species. In addition, this alteration is predicted to be tolerated by in silico analysis. Since supporting evidence is limited at this time, the clinical significance of this alteration remains unclear.

Labcorp Genetics (formerly Invitae), Labcorp
Classification: Uncertain significance for Familial cancer of breast; Fanconi anemia complementation group J. Last evaluated: 2024-02-12. Review status: criteria provided, single submitter. Criteria: Invitae Variant Classification Sherloc (09022015). Collection method: clinical testing. Allele origin: germline.
Comment: This sequence change replaces histidine, which is basic and polar, with leucine, which is neutral and non-polar, at codon 478 of the BRIP1 protein (p.His478Leu). This variant is not present in population databases (gnomAD no frequency). This variant has not been reported in the literature in individuals affected with BRIP1-related conditions. ClinVar contains an entry for this variant (Variation ID: 925663). Advanced modeling of protein sequence and biophysical properties (such as structural, functional, and spatial information, amino acid conservation, physicochemical variation, residue mobility, and thermodynamic stability) has been performed at Invitae for this missense variant, however the output from this modeling did not meet the statistical confidence thresholds required to predict the impact of this variant on BRIP1 protein function. In summary, the available evidence is currently insufficient to determine the role of this variant in disease. Therefore, it has been classified as a Variant of Uncertain Significance.

Sema4
Classification: Uncertain significance for Hereditary cancer-predisposing syndrome. Last evaluated: 2022-01-12. Review status: criteria provided, single submitter. Criteria: Sema4 Curation Guidelines. Collection method: curation. Allele origin: germline.
Comment: The BRIP1 c.1433A>T (p.H478L) variant has not been reported in the literature to our knowledge. It was not observed in the large and broad cohorts of the Genome Aggregation Database (PMID: 32461654). The variant has been reported in ClinVar (Variation ID 925663). Functional studies have not been performed, and in silico predictions of the variant's effect on protein function are inconclusive. The evidence is insufficient to meet ACMG/AMP criteria for classifying the variant as benign or pathogenic. Thus, the clinical significance of this variant is currently uncertain.